The following is an entry in ClinVar:

NM_152296.5(ATP1A3):c.580C>T (p.Arg194Trp)

Gene: ATP1A3 (ATPase Na+/K+ transporting subunit alpha 3; minus strand). Cytogenetic location: 19q13.2.
Variant type: single nucleotide variant.
Coding change: c.580C>T on transcript NM_152296.5 (MANE Select); coding-DNA position 580, C replaced by T.
Protein change: p.Arg194Trp; replaces arginine 194 with tryptophan.
Molecular consequence: missense variant.
Genome position (GRCh38, 1-based): chr19:41,985,890, G>A on the plus strand (C>T on the coding strand, the complement: ATP1A3 is on the minus strand). VCF-style: chr19-41985890-G-A. GRCh37 (hg19) VCF-style: chr19-42490042-G-A.
Other names: c.613C>T, p.Arg205Trp (NM_001256213.2); c.619C>T, p.Arg207Trp (NM_001256214.2); short protein forms R194W, R205W, R207W.
Identifiers: ClinVar variation 1304370 (VCV001304370.2), dbSNP rs1246646193, ClinGen allele CA406054317.

ClinVar aggregate classification (germline): Uncertain significance (1 of 4 stars; one submission).

Allele frequency attached by ClinVar (database versions not stated): TOPMed 0.00001.
gnomAD v4.1: 1 of 1,614,086 alleles (0.000062%); highest among the groups gnomAD compares: Non-Finnish European, 0.000085%; no homozygotes.

Submission:

GeneDx
Classification: Uncertain significance. Last evaluated: 2018-12-10. Review status: criteria provided, single submitter. Criteria: GeneDx Variant Classification Process June 2021. Collection method: clinical testing. Allele origin: germline. Affected: yes.
Comment: Not observed in large population cohorts (Lek et al., 2016; McVean et al., 2012; Exome Variant Server); In silico analysis, which includes protein predictors and evolutionary conservation, supports a deleterious effect; Has not been previously published as pathogenic or benign to our knowledge